The following is an entry in ClinVar:

NM_004036.5(ADCY3):c.477C>T (p.Phe159=)

Gene: ADCY3 (adenylate cyclase 3; minus strand). Cytogenetic location: 2p23.3.
Variant type: single nucleotide variant.
Coding change: c.477C>T on transcript NM_004036.5 (MANE Select); coding-DNA position 477, C replaced by T.
Protein change: p.Phe159=; no amino-acid change (phenylalanine 159 retained).
Molecular consequence: synonymous variant.
Genome position (GRCh38, 1-based): chr2:24,918,511, G>A on the plus strand (C>T on the coding strand, the complement: ADCY3 is on the minus strand). VCF-style: chr2-24918511-G-A. GRCh37 (hg19) VCF-style: chr2-25141380-G-A.
Other names: c.477C>T, p.Phe159= (NM_001320613.2, NM_001377128.1, NM_001377129.1 and 2 more transcripts).
Identifiers: ClinVar variation 4982989 (VCV004982989.1).
Genomic context (GRCh38, chr2:24,918,511, plus strand): 5'-GAAGGAGAAGACAAAGAAGACCTGCCAGCCCACCGTGTCACTAGCCGCGTGGGCACGCGC[G>A]AAGTTCAGGCCCAGGTAGGAGAAGATCTGGGCGGTTATGAGCAGCCACAGCACGTAGGGC-3'
Protein context (NP_004027.2, residues 149-169): AQIFSYLGLN[Phe159=]ARAHAASDTV

ClinVar aggregate classification (germline): Likely benign (1 of 4 stars; one submission).

Conditions:
ADCY3-related disorder. Also called: ADCY3-related condition.

gnomAD v4.1: 16 of 1,613,878 alleles (0.00099%); highest among the groups gnomAD compares: South Asian, 0.0022%; no homozygotes.

Submission:

PreventionGenetics, part of Exact Sciences
Classification: Likely benign for ADCY3-related condition. Last evaluated: 2024-12-12. Review status: criteria provided, single submitter. Criteria: ACMG Guidelines, 2015. Collection method: clinical testing. Allele origin: germline.
Comment: This variant is classified as likely benign based on ACMG/AMP sequence variant interpretation guidelines (Richards et al. 2015 PMID: 25741868, with internal and published modifications).